The following is an entry in ClinVar:

NM_001145358.2(SIN3A):c.3021+8C>T

Gene: SIN3A (SIN3 transcription regulator family member A; minus strand). Cytogenetic location: 15q24.2.
Variant type: single nucleotide variant.
Coding change: c.3021+8C>T on transcript NM_001145358.2 (MANE Select); 8 bases into the intron after coding-DNA position 3021, C replaced by T.
Molecular consequence: intron variant.
Genome position (GRCh38, 1-based): chr15:75,389,644, G>A on the plus strand (C>T on the coding strand, the complement: SIN3A is on the minus strand). VCF-style: chr15-75389644-G-A. GRCh37 (hg19) VCF-style: chr15-75681985-G-A.
Other names: c.3021+8C>T (NM_001145358.1, NM_001145357.2, NM_015477.3).
Identifiers: ClinVar variation 3719483 (VCV003719483.3).
Genomic context (GRCh38, chr15:75,389,644, plus strand): 5'-CCTTGCGTGGCCCATCTCTAGGTAAGGATTTCTTCCCTTACTCACCCTAGCCTCCTCCAT[G>A]CCCTCACCTGTCTGACAATGCTCTGGATCAGTTTGTCCATGGTAAAGGCAATGTAGGCAT-3'

ClinVar aggregate classification (germline): Likely benign. Review status: criteria provided, multiple submitters, no conflicts (2 of 4 stars). 2 submissions from 2 submitters: Likely benign (2). Last evaluated 2025-07-06.

Conditions:
SIN3A-related disorder. Also called: SIN3A-related condition.

gnomAD v4.1: 23 of 1,613,798 alleles (0.0014%); highest among the groups gnomAD compares: East Asian, 0.016%; no homozygotes.

Submissions (2):

Labcorp Genetics (formerly Invitae), Labcorp
Classification: Likely benign. Last evaluated: 2025-07-06. Review status: criteria provided, single submitter. Criteria: Invitae Variant Classification Sherloc (09022015). Collection method: clinical testing. Allele origin: germline.

PreventionGenetics, part of Exact Sciences
Classification: Likely benign for SIN3A-related condition. Last evaluated: 2025-02-21. Review status: criteria provided, single submitter. Criteria: ACMG Guidelines, 2015. Collection method: clinical testing. Allele origin: germline.
Comment: This variant is classified as likely benign based on ACMG/AMP sequence variant interpretation guidelines (Richards et al. 2015 PMID: 25741868, with internal and published modifications).